The following is an entry in ClinVar:

NM_001458.5(FLNC):c.5265TCC[1] (p.Pro1757del)

Gene: FLNC (filamin C; plus strand). Cytogenetic location: 7q32.1.
Variant type: Microsatellite.
Coding change: c.5265TCC[1] on transcript NM_001458.5 (MANE Select); one copy of the 3-base unit TCC starting at c.5265; the reference has two copies in a row; one copy, 3 bases deleted; also written c.5268_5270del.
Protein change: p.Pro1757del; deletes proline 1757.
Molecular consequence: inframe deletion. On other transcripts: intron variant (1).
Genome position (GRCh38, 1-based): chr7:128,850,044-128,850,046, TCC deleted; deleting any 3 consecutive bases within chr7:128,850,040-128,850,046 gives the same sequence; the position shown is the placement nearest the transcript's 3' end. VCF-style (leftmost placement, unchanged base first): chr7-128850039-GCTC-G. GRCh37 (hg19) VCF-style: chr7-128490093-GCTC-G.
Other names: c.5268_5270del (NM_001458.4); c.5200-340_5200-338del (NM_001127487.2); short protein forms P1757del.
Identifiers: ClinVar variation 847176 (VCV000847176.11), dbSNP rs1808740121, ClinGen allele CA916082328.

ClinVar aggregate classification (germline): Uncertain significance. Review status: criteria provided, multiple submitters, no conflicts (2 of 4 stars). 2 submissions from 2 submitters: Uncertain significance (2). Last evaluated 2025-04-09.

Conditions:
Cardiovascular phenotype. Identifiers: MedGen CN230736.
Myofibrillar myopathy 5. Also called: Filaminopathy (type); FILAMINOPATHY, AUTOSOMAL DOMINANT. Identifiers: Orphanet 171445, MedGen C1836050, MONDO:0012289, OMIM 609524.
Distal myopathy with posterior leg and anterior hand involvement. Also called: WILLIAMS DISTAL MYOPATHY. Identifiers: Orphanet 63273, MedGen C3279722, MONDO:0013550, OMIM 614065.
Hypertrophic cardiomyopathy 26. Also called: Cardiomyopathy, familial hypertrophic, 26. Identifiers: Orphanet 75249, MedGen C4310749, MONDO:0014883, OMIM 617047.

Submissions (2):

Molecular Diagnostic Laboratory for Inherited Cardiovascular Disease, Montreal Heart Institute
Classification: Uncertain significance for Cardiovascular phenotype. Last evaluated: 2025-04-09. Review status: criteria provided, single submitter. Criteria: ACMG Guidelines, 2015. Collection method: clinical testing. Allele origin: germline. Affected: yes.

Labcorp Genetics (formerly Invitae), Labcorp
Classification: Uncertain significance for Distal myopathy with posterior leg and anterior hand involvement; Myofibrillar myopathy 5; Hypertrophic cardiomyopathy 26. Last evaluated: 2019-12-06. Review status: criteria provided, single submitter. Criteria: Invitae Variant Classification Sherloc (09022015). Collection method: clinical testing. Allele origin: germline.
Comment: Experimental studies and prediction algorithms are not available or were not evaluated, and the functional significance of this variant is currently unknown. In summary, the available evidence is currently insufficient to determine the role of this variant in disease. Therefore, it has been classified as a Variant of Uncertain Significance. This variant, c.5268_5270del, results in the deletion of 1 amino acid(s) of the FLNC protein (p.Pro1757del), but otherwise preserves the integrity of the reading frame. This variant is not present in population databases (ExAC no frequency). This variant has not been reported in the literature in individuals with FLNC-related conditions.